The following is an entry in ClinVar:

ClinVar aggregate classification (germline): Likely benign (1 of 4 stars; one submission).

gnomAD v4.1: 134 of 1,612,930 alleles (0.0083%); highest among the groups gnomAD compares: Middle Eastern, 0.016%; 1 homozygote.

Submission:

CeGaT Center for Human Genetics Tuebingen
Classification: Likely benign. Last evaluated: 2025-05-01. Review status: criteria provided, single submitter. Criteria: CeGaT Center For Human Genetics Tuebingen Variant Classification Criteria Version 2. Collection method: clinical testing. Allele origin: germline. Affected: yes. Observed: 1 variant allele.
Comment: ANK3: BP4, BS1

NM_020987.5(ANK3):c.12596-526A>T

Gene: ANK3 (ankyrin 3; minus strand). Cytogenetic location: 10q21.2.
Variant type: single nucleotide variant.
Coding change: c.12596-526A>T on transcript NM_020987.5 (MANE Select); 526 bases into the intron before coding-DNA position 12596, A replaced by T.
Molecular consequence: intron variant. On other transcripts: missense variant (4).
Genome position (GRCh38, 1-based): chr10:60,059,956, T>A on the plus strand (A>T on the coding strand, the complement: ANK3 is on the minus strand). VCF-style: chr10-60059956-T-A. GRCh37 (hg19) VCF-style: chr10-61819714-T-A.
Other names: c.2209A>T, p.Thr737Ser (NM_001149.4); c.4789A>T, p.Thr1597Ser (NM_001204403.2); c.4810A>T, p.Thr1604Ser (NM_001204404.2); c.4807A>T, p.Thr1603Ser (NM_001320874.2); short protein forms T1597S, T1603S, T1604S, T737S.
Identifiers: ClinVar variation 3904991 (VCV003904991.10).